The following is an entry in ClinVar:

ClinVar aggregate classification (germline): Uncertain significance (1 of 4 stars; one submission).

Conditions:
Landau-Kleffner syndrome (FESD). Also called: EPILEPSY, FOCAL, WITH SPEECH DISORDER AND WITH OR WITHOUT MENTAL RETARDATION; APHASIA, ACQUIRED, WITH EPILEPSY. Identifiers: Orphanet 1945, Orphanet 725, Orphanet 98818, MedGen C0282512, MONDO:0009509, OMIM 245570.

Submission:

Labcorp Genetics (formerly Invitae), Labcorp
Classification: Uncertain significance for Landau-Kleffner syndrome. Last evaluated: 2024-03-27. Review status: criteria provided, single submitter. Criteria: Invitae Variant Classification Sherloc (09022015). Collection method: clinical testing. Allele origin: germline.
Comment: This sequence change replaces alanine, which is neutral and non-polar, with threonine, which is neutral and polar, at codon 505 of the GRIN2A protein (p.Ala505Thr). This variant is not present in population databases (gnomAD no frequency). This variant has not been reported in the literature in individuals affected with GRIN2A-related conditions. Advanced modeling of protein sequence and biophysical properties (such as structural, functional, and spatial information, amino acid conservation, physicochemical variation, residue mobility, and thermodynamic stability) performed at Invitae indicates that this missense variant is expected to disrupt GRIN2A protein function with a positive predictive value of 80%. In summary, the available evidence is currently insufficient to determine the role of this variant in disease. Therefore, it has been classified as a Variant of Uncertain Significance.

NM_001134407.3(GRIN2A):c.1513G>A (p.Ala505Thr)

Gene: GRIN2A (glutamate ionotropic receptor NMDA type subunit 2A; minus strand). Cytogenetic location: 16p13.2.
Variant type: single nucleotide variant.
Coding change: c.1513G>A on transcript NM_001134407.3 (MANE Select); coding-DNA position 1513, G replaced by A.
Protein change: p.Ala505Thr; replaces alanine 505 with threonine.
Molecular consequence: missense variant.
Genome position (GRCh38, 1-based): chr16:9,840,785, C>T on the plus strand (G>A on the coding strand, the complement: GRIN2A is on the minus strand). VCF-style: chr16-9840785-C-T. GRCh37 (hg19) VCF-style: chr16-9934642-C-T.
Other names: c.1513G>A, p.Ala505Thr (NM_000833.5, NM_001134408.2); short protein forms A505T.
Identifiers: ClinVar variation 3647818 (VCV003647818.2).